The following is an entry in ClinVar:

ClinVar aggregate classification (germline): Likely benign. Review status: criteria provided, multiple submitters, no conflicts (2 of 4 stars). 3 submissions from 3 submitters: Likely benign (2). 1 of the submissions does not count toward it. Last evaluated 2025-04-14.

Conditions:
ARNT2-related disorder. Also called: ARNT2-related condition.

Allele frequency attached by ClinVar (database versions not stated): gnomAD exomes 0.00005; ExAC 0.00007; ESP Exome Variant Server 0.00008; 1000 Genomes Project 30x 0.00016; 1000 Genomes Project 0.00020.

Submissions (3):

Labcorp Genetics (formerly Invitae), Labcorp
Classification: Likely benign. Last evaluated: 2025-04-14. Review status: criteria provided, single submitter. Criteria: Invitae Variant Classification Sherloc (09022015). Collection method: clinical testing. Allele origin: germline.

CeGaT Center for Human Genetics Tuebingen
Classification: Likely benign. Last evaluated: 2024-11-01. Review status: criteria provided, single submitter. Criteria: CeGaT Center For Human Genetics Tuebingen Variant Classification Criteria Version 2. Collection method: clinical testing. Allele origin: germline. Affected: yes. Observed: 2 variant alleles.
Comment: ARNT2: BP4, BP7

PreventionGenetics, part of Exact Sciences
Classification: Likely benign for ARNT2-related condition. Last evaluated: 2019-06-17. Review status: no assertion criteria provided. Collection method: clinical testing. Allele origin: germline. Not counted in ClinVar's aggregate classification.
Comment: This variant is classified as likely benign based on ACMG/AMP sequence variant interpretation guidelines (Richards et al. 2015 PMID: 25741868, with internal and published modifications).

NM_014862.4(ARNT2):c.573C>T (p.Asp191=)

Gene: ARNT2 (aryl hydrocarbon receptor nuclear translocator 2; plus strand). Cytogenetic location: 15q25.1.
Variant type: single nucleotide variant.
Coding change: c.573C>T on transcript NM_014862.4 (MANE Select); coding-DNA position 573, C replaced by T.
Protein change: p.Asp191=; no amino-acid change (aspartic acid 191 retained).
Molecular consequence: synonymous variant.
Genome position (GRCh38, 1-based): chr15:80,475,174, C>T. VCF-style: chr15-80475174-C-T. GRCh37 (hg19) VCF-style: chr15-80767515-C-T.
Other names: c.573C>T (NM_014862.3).
Identifiers: ClinVar variation 1582114 (VCV001582114.31), dbSNP rs369705081, ClinGen allele CA7691730.